The following is an entry in ClinVar:

NM_022132.5(MCCC2):c.691A>T (p.Ile231Phe)

Gene: MCCC2 (methylcrotonyl-CoA carboxylase subunit 2; plus strand). Cytogenetic location: 5q13.2.
Variant type: single nucleotide variant.
Coding change: c.691A>T on transcript NM_022132.5 (MANE Select); coding-DNA position 691, A replaced by T.
Protein change: p.Ile231Phe; replaces isoleucine 231 with phenylalanine.
Molecular consequence: missense variant. On other transcripts: intron variant (1).
Genome position (GRCh38, 1-based): chr5:71,626,706, A>T. VCF-style: chr5-71626706-A-T. GRCh37 (hg19) VCF-style: chr5-70922533-A-T.
Other names: c.691A>T (NM_022132.4); c.625-5415A>T (NM_001363147.1); short protein forms I231F.
Identifiers: ClinVar variation 1521022 (VCV001521022.13), dbSNP rs531567604, ClinGen allele CA3297842.

ClinVar aggregate classification (germline): Conflicting classifications of pathogenicity. Review status: criteria provided, conflicting classifications (1 of 4 stars). 3 submissions from 3 submitters: Likely pathogenic (2); Uncertain significance (1). Last evaluated 2026-02-03.

Conditions:
3-methylcrotonyl-CoA carboxylase 2 deficiency. Also called: 3 alpha methylcrotonyl-CoA carboxylase 2 deficiency; 3 alpha methylcrotonylglycinuria 2; MCC 2 deficiency; Methylcrotonylglycinuria type 2; METHYLCROTONYLGLYCINURIA, TYPE II. Identifiers: Orphanet 6, MedGen C1859499, MONDO:0008862, OMIM 210210.

Allele frequency attached by ClinVar (database versions not stated): ExAC 0.00001; gnomAD 0.00001; gnomAD exomes 0.00001; 1000 Genomes Project 0.00020; 1000 Genomes Project 30x 0.00031.
gnomAD v4.1: 5 of 1,614,162 alleles (0.00031%); highest among the groups gnomAD compares: South Asian, 0.0011%; no homozygotes.

Submissions (3):

Myriad Genetics, Inc.
Classification: Uncertain significance for 3-methylcrotonyl-CoA carboxylase 2 deficiency. Last evaluated: 2026-02-03. Review status: criteria provided, single submitter. Criteria: Myriad Autosomal Dominant, Autosomal Recessive and X-Linked Classification Criteria (2023). Collection method: clinical testing. Allele origin: unknown.
Comment: NM_022132.4(MCCC2):c.691A>T(I231F) is a missense variant classified as a variant of uncertain significance in the context of 3-methylcrotonyl-CoA carboxylase deficiency, MCCC2-related. I231F has been observed in cases with relevant disease (PMID: 26589311, 29767664). Relevant functional assessments of this variant are not available in the literature. I231F has been observed in referenced population frequency databases. In summary, there is insufficient evidence to classify NM_022132.4(MCCC2):c.691A>T(I231F) as pathogenic or benign. Please note: this variant was assessed in the context of healthy population screening.

Natera, Inc.
Classification: Likely pathogenic for 3-methylcrotonyl-CoA carboxylase 2 deficiency. Last evaluated: 2025-03-26. Review status: criteria provided, single submitter. Criteria: Natera Variant Classification Schema (03/2026). Collection method: clinical testing. Allele origin: germline.
Comment: The c.691A>T variant in MCCC2 is a missense variant predicted to cause substitution of isoleucine to phenylalanine at amino acid 231. This variant is rare in the general population with a frequency below the threshold expected for the associated phenotype(s). This variant has been observed in one or more individuals affected with the associated recessive disease, as either homozygous or compound heterozygous with a second variant (PMID: 29767664, 26589311). This variant has been identified in one or more affected individuals with a phenotype highly consistent with the associated gene (PMID: 29767664). Computational prediction algorithms indicate this variant is likely to affect gene or protein function. Given the available evidence, this variant is classified as Likely Pathogenic.

Labcorp Genetics (formerly Invitae), Labcorp
Classification: Likely pathogenic for 3-methylcrotonyl-CoA carboxylase 2 deficiency. Last evaluated: 2024-03-12. Review status: criteria provided, single submitter. Criteria: Invitae Variant Classification Sherloc (09022015). Collection method: clinical testing. Allele origin: germline.
Comment: This sequence change replaces isoleucine, which is neutral and non-polar, with phenylalanine, which is neutral and non-polar, at codon 231 of the MCCC2 protein (p.Ile231Phe). This variant is present in population databases (rs531567604, gnomAD 0.003%). This missense change has been observed in individual(s) with 3-Methylcrotonylglycinuria (PMID: 26589311, 29767664). In at least one individual the data is consistent with being in trans (on the opposite chromosome) from a pathogenic variant. ClinVar contains an entry for this variant (Variation ID: 1521022). Advanced modeling of protein sequence and biophysical properties (such as structural, functional, and spatial information, amino acid conservation, physicochemical variation, residue mobility, and thermodynamic stability) performed at Invitae indicates that this missense variant is not expected to disrupt MCCC2 protein function with a negative predictive value of 80%. In summary, the currently available evidence indicates that the variant is pathogenic, but additional data are needed to prove that conclusively. Therefore, this variant has been classified as Likely Pathogenic.

Literature cited by the submitters: PubMed 26589311 (cited by 3 submitters); PubMed 29767664 (cited by 3 submitters).